The following is an entry in ClinVar:

NM_001164508.2(NEB):c.23939_23942dup (p.Asn7982fs)

Genes: NEB (nebulin; minus strand), RIF1 (replication timing regulatory factor 1; plus strand). Cytogenetic location: 2q23.3.
Variant type: Duplication.
Coding change: c.23939_23942dup on transcript NM_001164508.2 (MANE Select); coding-DNA positions 23939 to 23942, 4 bases duplicated (AAGA; older notation c.23939_23942dupAAGA).
Protein change: p.Asn7982fs; shifts the reading frame from asparagine 7982.
Molecular consequence: frameshift variant. On other transcripts: intron variant (1).
Genome position (GRCh38, 1-based): chr2:151,501,470-151,501,473, TCTT duplicated on the plus strand (AAGA on the coding strand, the reverse complement: NEB is on the minus strand); duplicating any 4 consecutive bases within chr2:151,501,470-151,501,474 gives the same sequence; the c. name uses the placement nearest the transcript's 3' end. VCF-style (leftmost placement, unchanged base first): chr2-151501469-C-CTCTT. GRCh37 (hg19) VCF-style: chr2-152357983-C-CTCTT.
Other names: c.23939_23942dup, p.Asn7982fs (NM_001164507.2); c.24044_24047dup, p.Asn8017fs (NM_001271208.2); c.18825+1320_18825+1323dup (NM_004543.5); short protein forms N8017fs, N7982fs.
Identifiers: ClinVar variation 1452607 (VCV001452607.6), dbSNP rs2153073575, ClinGen allele CA2573133327.

ClinVar aggregate classification (germline): Pathogenic (1 of 4 stars; one submission).

Conditions:
Nemaline myopathy 2 (NEM2). Also called: Nemaline myopathy 2, autosomal recessive. Identifiers: MedGen C1850569, MONDO:0009725, OMIM 256030.

Submission:

Labcorp Genetics (formerly Invitae), Labcorp
Classification: Pathogenic for Nemaline myopathy 2. Last evaluated: 2021-07-19. Review status: criteria provided, single submitter. Criteria: Invitae Variant Classification Sherloc (09022015). Collection method: clinical testing. Allele origin: germline.
Comment: For these reasons, this variant has been classified as Pathogenic. This variant has not been reported in the literature in individuals affected with NEB-related conditions. This variant is not present in population databases (ExAC no frequency). This sequence change creates a premature translational stop signal (p.Asn8017Argfs*14) in the NEB gene. It is expected to result in an absent or disrupted protein product. Loss-of-function variants in NEB are known to be pathogenic (PMID: 25205138).

Literature cited by the submitters: PubMed 25205138.